The following is an entry in ClinVar:

ClinVar aggregate classification (germline): Conflicting classifications of pathogenicity. Review status: criteria provided, conflicting classifications (1 of 4 stars). 4 submissions from 4 submitters: Uncertain significance (3); Likely benign (1). Last evaluated 2026-07-03.

Conditions:
Familial thoracic aortic aneurysm and aortic dissection (TAAD). Also called: Thoracic aortic aneurysms and dissections. Identifiers: Orphanet 91387, MedGen C4707243, MONDO:0019625.
Marfan syndrome (MFS). Also called: MARFAN SYNDROME, TYPE I; Marfan syndrome, classic; FBN1-Related Marfan Syndrome; Marfan syndrome type 1; Marfan's syndrome. Identifiers: Orphanet 284963, Orphanet 558, MedGen C0024796, MONDO:0007947, OMIM 154700.

Allele frequency attached by ClinVar (database versions not stated): ExAC 0.00002; gnomAD exomes 0.00001 and below 0.00001; TOPMed 0.00001.
gnomAD v4.1: 2 of 1,613,694 alleles (0.00012%); highest among the groups gnomAD compares: Admixed American, 0.0033%; no homozygotes.

Submissions (4):

Ambry Genetics
Classification: Uncertain significance for Familial thoracic aortic aneurysm and aortic dissection. Last evaluated: 2026-07-03. Review status: criteria provided, single submitter. Criteria: Ambry Variant Classification Scheme 2023. Collection method: clinical testing. Allele origin: germline.
Comment: The c.1235T>A (p.V412D) alteration is located in exon 11 (coding exon 10) of the FBN1 gene. This alteration results from a T to A substitution at nucleotide position 1235, causing the valine (V) at amino acid position 412 to be replaced by an aspartic acid (D). Based on data from gnomAD, the A allele has an overall frequency of 0.001% (3/251256) total alleles studied. The highest observed frequency was 0.009% (3/34590) of Latino alleles. Based on insufficient or conflicting evidence, the clinical significance of this alteration remains unclear.

GeneDx
Classification: Uncertain significance. Last evaluated: 2025-09-24. Review status: criteria provided, single submitter. Criteria: GeneDx Variant Classification Process June 2021. Collection method: clinical testing. Allele origin: germline. Affected: yes.
Comment: Has not been previously published as pathogenic or benign to our knowledge; Not observed at significant frequency in large population cohorts (gnomAD); In silico analysis suggests that this missense variant does not alter protein structure/function; Does not affect a cysteine or calcium-binding residue within an EGF-like domain or a TGF-binding protein domain of the FBN1 gene; cysteine substitutions in the EGF-like domains represent the majority of pathogenic missense changes associated with FBN1-related disorders (PMID: 12938084); This variant is associated with the following publications: (PMID: 12938084)

Labcorp Genetics (formerly Invitae), Labcorp
Classification: Likely benign for Marfan syndrome; Familial thoracic aortic aneurysm and aortic dissection. Last evaluated: 2025-03-20. Review status: criteria provided, single submitter. Criteria: Invitae Variant Classification Sherloc (09022015). Collection method: clinical testing. Allele origin: germline.

Women's Health and Genetics/Laboratory Corporation of America, LabCorp
Classification: Uncertain significance. Last evaluated: 2016-01-25. Review status: criteria provided, single submitter. Criteria: LabCorp Variant Classification Summary - May 2015. Collection method: clinical testing. Allele origin: germline.

NM_000138.5(FBN1):c.1235T>A (p.Val412Asp)

Gene: FBN1 (fibrillin 1; minus strand). Cytogenetic location: 15q21.1.
Variant type: single nucleotide variant.
Coding change: c.1235T>A on transcript NM_000138.5 (MANE Select); coding-DNA position 1235, T replaced by A.
Protein change: p.Val412Asp; replaces valine 412 with aspartic acid.
Molecular consequence: missense variant.
Genome position (GRCh38, 1-based): chr15:48,516,275, A>T on the plus strand (T>A on the coding strand, the complement: FBN1 is on the minus strand). VCF-style: chr15-48516275-A-T. GRCh37 (hg19) VCF-style: chr15-48808472-A-T.
Other names: short protein forms V412D.
Identifiers: ClinVar variation 406350 (VCV000406350.12), dbSNP rs764925097, ClinGen allele CA044042.